The following is an entry in ClinVar:

NM_001365951.3(KIF1B):c.123G>C (p.Lys41Asn)

Gene: KIF1B (kinesin family member 1B; plus strand). Cytogenetic location: 1p36.22.
Variant type: single nucleotide variant.
Coding change: c.123G>C on transcript NM_001365951.3 (MANE Select); coding-DNA position 123, G replaced by C.
Protein change: p.Lys41Asn; replaces lysine 41 with asparagine.
Molecular consequence: missense variant.
Genome position (GRCh38, 1-based): chr1:10,256,263, G>C. VCF-style: chr1-10256263-G-C. GRCh37 (hg19) VCF-style: chr1-10316321-G-C.
Other names: c.123G>C, p.Lys41Asn (NM_001365952.1, NM_001365953.1, NM_015074.3 and 1 more transcripts); short protein forms K41N.
Identifiers: ClinVar variation 4858867 (VCV004858867.1).
Genomic context (GRCh38, chr1:10,256,263, plus strand): 5'-TTGTAATTGAGTGACTTATAAAATGAAACATTTTTATCTTCTAGGTATTATTAACCCAAA[G>C]AATCCAAAGGAAGCTCCAAAGTCCTTCAGCTTCGACTATTCCTACTGGTCTCATACCTCA-3'
Protein context (NP_001352880.1, residues 31-51): QGNSTSIINP[Lys41Asn]NPKEAPKSFS

ClinVar aggregate classification (germline): Uncertain significance (1 of 4 stars; one submission).

Submission:

Ambry Genetics
Classification: Uncertain significance. Last evaluated: 2026-05-19. Review status: criteria provided, single submitter. Criteria: Ambry Variant Classification Scheme 2023. Collection method: clinical testing. Allele origin: germline.
Comment: The p.K41N variant (also known as c.123G>C), located in coding exon 2 of the KIF1B gene, results from a G to C substitution at nucleotide position 123. The lysine at codon 41 is replaced by asparagine, an amino acid with similar properties. This amino acid position is conserved. In addition, this alteration is predicted to be tolerated by in silico analysis. Based on the available evidence, the clinical significance of this variant remains unclear.